The following is an entry in ClinVar:

NM_001379451.1(BCORL1):c.2166C>G (p.Asn722Lys)

Gene: BCORL1 (BCL6 corepressor like 1; plus strand). Cytogenetic location: Xq26.1.
Variant type: single nucleotide variant.
Coding change: c.2166C>G on transcript NM_001379451.1 (MANE Select); coding-DNA position 2166, C replaced by G.
Protein change: p.Asn722Lys; replaces asparagine 722 with lysine.
Molecular consequence: missense variant.
Genome position (GRCh38, 1-based): chrX:130,014,938, C>G. VCF-style: chrX-130014938-C-G. GRCh37 (hg19) VCF-style: chrX-129148914-C-G.
Other names: c.2166C>G, p.Asn722Lys (NM_001184772.3, NM_001379450.1, NM_001441326.1 and 7 more transcripts); short protein forms N722K.
Identifiers: ClinVar variation 5020853 (VCV005020853.2).
Genomic context (GRCh38, chrX:130,014,938, plus strand): 5'-GGTGAAGAACTCAACTGCACTGATCAGCACCATTCCTGGCACCTACGTGGGAGTGGCCAA[C>G]CCAGTGCCTGCATCCCTGCTGCTGAACAAAGACCCCAACCTGGGCCTCAACCGTGACCCC-3'
Protein context (NP_001366380.1, residues 712-732): TIPGTYVGVA[Asn722Lys]PVPASLLLNK

ClinVar aggregate classification (germline): Uncertain significance. Review status: criteria provided, multiple submitters, no conflicts (2 of 4 stars). 2 submissions from 2 submitters: Uncertain significance (2). Last evaluated 2026-04-14.

Submissions (2):

GeneDx
Classification: Uncertain significance. Last evaluated: 2026-04-14. Review status: criteria provided, single submitter. Criteria: GeneDx Variant Classification Process June 2021. Collection method: clinical testing. Allele origin: germline.
Comment: Not observed at significant frequency in large population cohorts (gnomAD); In silico analysis suggests that this missense variant does not alter protein structure/function; Has not been previously published as pathogenic or benign to our knowledge

Dasa
Classification: Uncertain significance. Last evaluated: 2025-09-23. Review status: criteria provided, single submitter. Criteria: DASA Assertion Criteria. Collection method: clinical testing. Allele origin: germline.
Comment: NM_001379451.1(BCORL1):c.2166C>G (p.Asn722Lys) is a missense variant that results in the substitution of asparagine with lysine. This variant is absent from population databases. The currently available literature and clinical evidence are not sufficient to establish a definitive association between this variant and the reported condition. Therefore, this variant is classified as a variant of uncertain significance.